The following is an entry in ClinVar:

NC_000008.10:g.(?_104412639)_(104427165_?)del

Genes: DCAF13 (DDB1 and CUL4 associated factor 13; plus strand), SLC25A32 (solute carrier family 25 member 32; minus strand). Cytogenetic location: 8q22.3.
Variant type: Deletion.
Identifiers: ClinVar variation 3245605 (VCV003245605.1).

ClinVar aggregate classification (germline): Uncertain significance (1 of 4 stars; one submission).

Submission:

Labcorp Genetics (formerly Invitae), Labcorp
Classification: Uncertain significance. Last evaluated: 2023-11-01. Review status: criteria provided, single submitter. Criteria: Invitae Variant Classification Sherloc (09022015). Collection method: clinical testing. Allele origin: unknown.
Comment: A gross deletion of the genomic region encompassing the full coding sequence of the SLC25A32 gene has been identified. The current clinical and genetic evidence is not sufficient to establish whether loss-of-function variants in SLC25A32 cause disease. The boundaries of this event are unknown as they extend beyond the assayed region for this gene and therefore may encompass additional genes. This variant has not been reported in the literature in individuals affected with SLC25A32-related conditions. In summary, the available evidence is currently insufficient to determine the role of this variant in disease. Therefore, it has been classified as a Variant of Uncertain Significance.